The following is an entry in ClinVar:

ClinVar aggregate classification (germline): Uncertain significance (1 of 4 stars; one submission).

Submission:

Labcorp Genetics (formerly Invitae), Labcorp
Classification: Uncertain significance. Last evaluated: 2021-12-23. Review status: criteria provided, single submitter. Criteria: Invitae Variant Classification Sherloc (09022015). Collection method: clinical testing. Allele origin: germline.
Comment: Algorithms developed to predict the effect of missense changes on protein structure and function are either unavailable or do not agree on the potential impact of this missense change (SIFT: "Not Available"; PolyPhen-2: "Benign"; Align-GVGD: "Not Available"). This variant has not been reported in the literature in individuals affected with C3-related conditions. Information on the frequency of this variant in the gnomAD database is not available, as this variant may be reported differently in the database. This sequence change replaces arginine, which is basic and polar, with glutamine, which is neutral and polar, at codon 386 of the C3 protein (p.Arg386Gln). Algorithms developed to predict the effect of sequence changes on RNA splicing suggest that this variant may create or strengthen a splice site. In summary, the available evidence is currently insufficient to determine the role of this variant in disease. Therefore, it has been classified as a Variant of Uncertain Significance.

NM_000064.4(C3):c.1157_1158delinsAG (p.Arg386Gln)

Gene: C3 (complement C3; minus strand). Cytogenetic location: 19p13.3.
Variant type: Indel.
Coding change: c.1157_1158delinsAG on transcript NM_000064.4 (MANE Select); coding-DNA positions 1157 to 1158, GA replaced by AG.
Protein change: p.Arg386Gln; replaces arginine 386 with glutamine.
Molecular consequence: missense variant.
Genome position (GRCh38, 1-based): chr19:6,712,368-6,712,369, TC replaced by CT on the plus strand (GA replaced by AG on the coding strand, the reverse complement: C3 is on the minus strand). VCF-style: chr19-6712368-TC-CT. GRCh37 (hg19) VCF-style: chr19-6712379-TC-CT.
Other names: short protein forms R386Q.
Identifiers: ClinVar variation 2055987 (VCV002055987.4), dbSNP rs2512264040, ClinGen allele CA2580097028.